The following is an entry in ClinVar:

NM_001848.3(COL6A1):c.1665C>T (p.Pro555=)

Gene: COL6A1 (collagen type VI alpha 1 chain; plus strand). Cytogenetic location: 21q22.3.
Variant type: single nucleotide variant.
Coding change: c.1665C>T on transcript NM_001848.3 (MANE Select); coding-DNA position 1665, C replaced by T.
Protein change: p.Pro555=; no amino-acid change (proline 555 retained).
Molecular consequence: synonymous variant.
Genome position (GRCh38, 1-based): chr21:45,998,950, C>T. VCF-style: chr21-45998950-C-T. GRCh37 (hg19) VCF-style: chr21-47418864-C-T.
Identifiers: ClinVar variation 93825 (VCV000093825.42), dbSNP rs369802454, ClinGen allele CA221756.

ClinVar aggregate classification (germline): Conflicting classifications of pathogenicity. Review status: criteria provided, conflicting classifications (1 of 4 stars). 5 submissions from 5 submitters: Uncertain significance (2); Likely benign (3). Last evaluated 2026-01-17.

Conditions:
Collagen 6-related myopathy. Identifiers: MedGen CN117976, MONDO:0100225.
Bethlem myopathy 1A. Also called: MYOPATHY, BENIGN CONGENITAL, WITH CONTRACTURES; Bethlem myopathy 1; Bethlem Muscular Dystrophy. Identifiers: Orphanet 610, MedGen CN029274, MONDO:0024530, OMIM 158810.

Allele frequency attached by ClinVar (database versions not stated): TOPMed 0.00010; gnomAD 0.00013 and 0.00014; ESP Exome Variant Server 0.00024.
gnomAD v4.1: 391 of 1,553,940 alleles (0.025%); highest among the groups gnomAD compares: Non-Finnish European, 0.032%; 1 homozygote.

Submissions (5):

Labcorp Genetics (formerly Invitae), Labcorp
Classification: Likely benign for Bethlem myopathy 1A. Last evaluated: 2026-01-17. Review status: criteria provided, single submitter. Criteria: Invitae Variant Classification Sherloc (09022015). Collection method: clinical testing. Allele origin: germline.

CeGaT Center for Human Genetics Tuebingen
Classification: Likely benign. Last evaluated: 2022-09-01. Review status: criteria provided, single submitter. Criteria: CeGaT Center For Human Genetics Tuebingen Variant Classification Criteria Version 2. Collection method: clinical testing. Allele origin: germline. Affected: yes. Observed: 1 variant allele.
Comment: COL6A1: BP4, BP7

Eurofins Ntd Llc (ga)
Classification: Uncertain significance. Last evaluated: 2018-04-27. Review status: criteria provided, single submitter. Criteria: EGL ClinVar v180209 classification definitions. Collection method: clinical testing. Allele origin: germline. Observed: 3 variant alleles, 3 heterozygotes.

Illumina Laboratory Services, Illumina
Classification: Uncertain significance for Collagen VI-related myopathy. Last evaluated: 2018-01-13. Review status: criteria provided, single submitter. Criteria: ICSL Variant Classification Criteria 13 December 2019. Collection method: clinical testing. Allele origin: germline.

GeneDx
Classification: Likely benign. Last evaluated: 2017-03-31. Review status: criteria provided, single submitter. Criteria: GeneDx Variant Classification (06012015). Collection method: clinical testing. Allele origin: germline. Affected: yes.
Comment: This variant is considered likely benign or benign based on one or more of the following criteria: it is a conservative change, it occurs at a poorly conserved position in the protein, it is predicted to be benign by multiple in silico algorithms, and/or has population frequency not consistent with disease.